The following is an entry in ClinVar:

NM_172107.4(KCNQ2):c.740C>T (p.Ser247Leu)

Gene: KCNQ2 (potassium voltage-gated channel subfamily Q member 2; minus strand). Cytogenetic location: 20q13.33.
Variant type: single nucleotide variant.
Coding change: c.740C>T on transcript NM_172107.4 (MANE Select); coding-DNA position 740, C replaced by T.
Protein change: p.Ser247Leu; replaces serine 247 with leucine.
Molecular consequence: missense variant.
Genome position (GRCh38, 1-based): chr20:63,442,482, G>A on the plus strand (C>T on the coding strand, the complement: KCNQ2 is on the minus strand). VCF-style: chr20-63442482-G-A. GRCh37 (hg19) VCF-style: chr20-62073835-G-A.
Other names: p.S247L:TCG>TTG; c.740C>T, p.Ser247Leu (NM_004518.6, NM_172106.3, NM_172108.5 and 1 more transcripts); short protein forms S247L.
Identifiers: ClinVar variation 205878 (VCV000205878.17), dbSNP rs74315392, ClinGen allele CA315383.

ClinVar aggregate classification (germline): Pathogenic/Likely pathogenic. Review status: criteria provided, multiple submitters, no conflicts (2 of 4 stars). 8 submissions from 8 submitters: Pathogenic (5); Likely pathogenic (1). 2 of the submissions do not count toward it. Last evaluated 2024-07-27.

Conditions:
Early-infantile DEE. Also called: Ohtahara syndrome; Early infantile epileptic encephalopathy; Early infantile epileptic encephalopathy with suppression bursts. Identifiers: Orphanet 1934, MedGen C0393706, MONDO:0800491.
Inborn genetic diseases. Identifiers: MedGen C0950123, MeSH D030342.
KCNQ2-Related Disorders. Also called: KCNQ2-related condition; KCNQ2-related disorder. Identifiers: MedGen CN169299.
Developmental and epileptic encephalopathy, 7 (DEE7). Also called: KCNQ2-Related Neonatal Epileptic Encephalopathy; Early infantile epileptic encephalopathy 7; KCNQ2-Related Neonatal-Onset Developmental and Epileptic Encephalopathy (NEO-DEE). Identifiers: Orphanet 439218, MedGen C3150986, MONDO:0013387, OMIM 613720.
Seizures, benign familial neonatal, 1. Also called: KCNQ2-Related Benign Familial Neonatal Epilepsy; Seizures, benign neonatal, 1; Benign Neonatal Epilepsy 1; KCNQ2-Related Self-Limited Familial Neonatal Epilepsy (SLFNE). Identifiers: Orphanet 1949, MedGen C3149074, MONDO:0007365, OMIM 121200.

Submissions (8):

Labcorp Genetics (formerly Invitae), Labcorp
Classification: Pathogenic for Early-infantile DEE. Last evaluated: 2024-07-27. Review status: criteria provided, single submitter. Criteria: Invitae Variant Classification Sherloc (09022015). Collection method: clinical testing. Allele origin: germline.
Comment: This sequence change replaces serine, which is neutral and polar, with leucine, which is neutral and non-polar, at codon 247 of the KCNQ2 protein (p.Ser247Leu). This variant is not present in population databases (gnomAD no frequency). This missense change has been observed in individual(s) with KCNQ2-related conditions (PMID: 29314763, 32770121). In at least one individual the variant was observed to be de novo. ClinVar contains an entry for this variant (Variation ID: 205878). Advanced modeling of protein sequence and biophysical properties (such as structural, functional, and spatial information, amino acid conservation, physicochemical variation, residue mobility, and thermodynamic stability) performed at Invitae indicates that this missense variant is expected to disrupt KCNQ2 protein function with a positive predictive value of 95%. Experimental studies have shown that this missense change affects KCNQ2 function (PMID: 32770121). This variant disrupts the p.Ser247 amino acid residue in KCNQ2. Other variant(s) that disrupt this residue have been determined to be pathogenic (PMID: 12742592; Invitae). This suggests that this residue is clinically significant, and that variants that disrupt this residue are likely to be disease-causing. For these reasons, this variant has been classified as Pathogenic.

GeneDx
Classification: Pathogenic. Last evaluated: 2024-04-04. Review status: criteria provided, single submitter. Criteria: GeneDx Variant Classification Process June 2021. Collection method: clinical testing. Allele origin: germline. Affected: yes.
Comment: Not observed at significant frequency in large population cohorts (gnomAD); In silico analysis supports that this missense variant has a deleterious effect on protein structure/function; This substitution is predicted to be within the transmembrane segment S5; This variant is associated with the following publications: (PMID: 26633542, 34120799, 33897753, 30530441, 30552426, 31199083, 31628766, 32863083, 32770121, 33333793, 28252636, 33659638, 33811133, 35729264, 35217970, 35401395, 29314763)

Victorian Clinical Genetics Services, Murdoch Childrens Research Institute
Classification: Pathogenic for Developmental and epileptic encephalopathy, 7. Last evaluated: 2022-03-31. Review status: criteria provided, single submitter. Criteria: ACMG Guidelines, 2015. Collection method: clinical testing. Allele origin: germline. Inheritance: Autosomal dominant inheritance. Affected: yes.
Comment: Based on the classification scheme VCGS_Germline_v1.3.4, this variant is classified as Pathogenic. Following criteria are met: 0103 - Dominant negative and loss of function are known mechanisms of disease in this gene, and are associated with developmental and epileptic encephalopathy 7 (MIM#613720) and benign neonatal seizures, 1 (MIM#121200), respectively (GeneReviews). There is currently no phenotypic correlation in terms of variant types or protein location (PMID: 31418850). (I) 0107 - This gene is associated with autosomal dominant disease. (I) 0112 - The condition associated with this gene has incomplete penetrance however, this is only reported for patients with benign neonatal seizures (PMID: 25959266). (I) 0200 - Variant is predicted to result in a missense amino acid change from serine to leucine. (I) 0251 - This variant is heterozygous. (I) 0301 - Variant is absent from gnomAD (both v2 and v3). (SP) 0501 - Missense variant consistently predicted to be damaging by multiple in silico tools or highly conserved with a major amino acid change. (SP) 0601 - Variant is located in the well-established functional pore domain in the fifth transmembrane region (PMID: 12742592, PMID: 33333793). (SP) 0801 - This variant has strong previous evidence of pathogenicity in unrelated individuals. This variant has been reported as pathogenic and likely pathogenic in ClinVar, and de novo in multiple individuals with developmental and epileptic encephalopathy (DECIPHER, PMID: 33333793, PMID: 30552426). (SP) 1208 - Inheritance information for this variant is not currently available in this individual. (I) Legend: (SP) - Supporting pathogenic, (I) - Information, (SB) - Supporting benign

Blueprint Genetics
Classification: Pathogenic for KCNQ2-related disorders. Last evaluated: 2020-08-24. Review status: criteria provided, single submitter. Criteria: ACMG Guidelines, 2015. Collection method: clinical testing. Allele origin: germline. Affected: yes. Observed: 1 variant allele.

CeGaT Center for Human Genetics Tuebingen
Classification: Likely pathogenic. Last evaluated: 2016-10-31. Review status: criteria provided, single submitter. Criteria: Praxis fuer Humangenetik Tuebingen - Variant Classification Criteria. Collection method: clinical testing. Allele origin: germline. Affected: yes. Observed: 2 variant alleles.

Ambry Genetics
Classification: Pathogenic for Inborn genetic diseases. Last evaluated: 2015-10-05. Review status: criteria provided, single submitter. Criteria: Ambry exome assertion method (8-5-2015). Collection method: clinical testing. Allele origin: germline. Affected: yes. Observed: 2 variant alleles.

Solve-RD Consortium
Classification: Likely pathogenic for Developmental and epileptic encephalopathy, 7. Last evaluated: 2022-06-01. Review status: no assertion criteria provided. Collection method: provider interpretation. Allele origin: inherited. Affected: yes. Not counted in ClinVar's aggregate classification.
Comment: Variant confirmed as disease-causing by referring clinical team

Variant identified during reanalysis of unsolved cases by the Solve-RD project. The Solve-RD project has received funding from the European Union’s Horizon 2020 research and innovation programme under grant agreement No 779257.

Genomic Medicine Center of Excellence, King Faisal Specialist Hospital and Research Centre
Classification: Uncertain significance for Seizures, benign familial neonatal, 1. Last evaluated: 2024-04-04. Review status: flagged submission. Criteria: ACMG Guidelines, 2015. Collection method: clinical testing. Allele origin: germline. Not counted in ClinVar's aggregate classification.
ClinVar note: Reason: Outlier claim with insufficient supporting evidence

Literature cited by the submitters: PubMed 29314763 (cited by Labcorp Genetics (formerly Invitae), Labcorp); PubMed 32770121 (cited by Labcorp Genetics (formerly Invitae), Labcorp); PubMed 12742592 (cited by 3 submitters); PubMed 25959266 (cited by Victorian Clinical Genetics Services, Murdoch Childrens Research Institute); PubMed 30552426 (cited by Victorian Clinical Genetics Services, Murdoch Childrens Research Institute); PubMed 31418850 (cited by Victorian Clinical Genetics Services, Murdoch Childrens Research Institute); PubMed 33333793 (cited by Victorian Clinical Genetics Services, Murdoch Childrens Research Institute); PubMed 26070303 (cited by Ambry Genetics); PubMed 39825153 (cited by Solve-RD Consortium).